The following is an entry in ClinVar:

NM_001283009.2(RTEL1):c.2960G>A (p.Arg987Lys)

Genes: RTEL1 (regulator of telomere elongation helicase 1; plus strand), RTEL1-TNFRSF6B (RTEL1-TNFRSF6B readthrough (NMD candidate); plus strand). Cytogenetic location: 20q13.33.
Variant type: single nucleotide variant.
Coding change: c.2960G>A on transcript NM_001283009.2 (MANE Select); coding-DNA position 2960, G replaced by A.
Protein change: p.Arg987Lys; replaces arginine 987 with lysine.
Molecular consequence: missense variant. On other transcripts: non-coding transcript variant (1).
Genome position (GRCh38, 1-based): chr20:63,693,251, G>A. VCF-style: chr20-63693251-G-A. GRCh37 (hg19) VCF-style: chr20-62324604-G-A.
Other names: c.2291G>A, p.Arg764Lys (NM_001283010.1); c.2960G>A, p.Arg987Lys (NM_016434.4); c.3032G>A, p.Arg1011Lys (NM_032957.5); short protein forms R764K, R1011K, R987K.
Identifiers: ClinVar variation 3791221 (VCV003791221.2).

ClinVar aggregate classification (germline): Uncertain significance. Review status: criteria provided, multiple submitters, no conflicts (2 of 4 stars). 2 submissions from 2 submitters: Uncertain significance (2). Last evaluated 2025-04-08.

Conditions:
Pulmonary fibrosis and/or bone marrow failure, Telomere-related, 3. Also called: PULMONARY FIBROSIS AND/OR BONE MARROW FAILURE SYNDROME, TELOMERE-RELATED, 3. Identifiers: Orphanet 2032, MedGen C4225346, MONDO:0014613, OMIM 616373.
Dyskeratosis congenita, autosomal recessive 5 (DKCB5). Identifiers: MedGen C3554656, MONDO:0014076, OMIM 615190.
Inborn genetic diseases. Identifiers: MedGen C0950123, MeSH D030342.

gnomAD v4.1: 3 of 1,611,966 alleles (0.00019%); highest among the groups gnomAD compares: South Asian, 0.0022%; no homozygotes.

Submissions (2):

Labcorp Genetics (formerly Invitae), Labcorp
Classification: Uncertain significance for Dyskeratosis congenita, autosomal recessive 5; Pulmonary fibrosis and/or bone marrow failure, Telomere-related, 3. Last evaluated: 2025-04-08. Review status: criteria provided, single submitter. Criteria: Invitae Variant Classification Sherloc (09022015). Collection method: clinical testing. Allele origin: germline.
Comment: This sequence change replaces arginine, which is basic and polar, with lysine, which is basic and polar, at codon 987 of the RTEL1 protein (p.Arg987Lys). This variant is not present in population databases (gnomAD no frequency). This variant has not been reported in the literature in individuals affected with RTEL1-related conditions. An algorithm developed to predict the effect of missense changes on protein structure and function outputs the following: PolyPhen-2: "Benign". The lysine amino acid residue is found in multiple mammalian species, which suggests that this missense change does not adversely affect protein function. In summary, the available evidence is currently insufficient to determine the role of this variant in disease. Therefore, it has been classified as a Variant of Uncertain Significance.

Ambry Genetics
Classification: Uncertain significance for Inborn genetic diseases. Last evaluated: 2025-03-14. Review status: criteria provided, single submitter. Criteria: Ambry Variant Classification Scheme 2023. Collection method: clinical testing. Allele origin: germline.
Comment: The p.R987K variant (also known as c.2960G>A), located in coding exon 29 of the RTEL1 gene, results from a G to A substitution at nucleotide position 2960. The arginine at codon 987 is replaced by lysine, an amino acid with highly similar properties. This amino acid position is conserved. In addition, this alteration is predicted to be tolerated by in silico analysis. Based on the available evidence, the clinical significance of this variant remains unclear.